The following is an entry in ClinVar:

ClinVar aggregate classification (germline): Uncertain significance. Review status: criteria provided, multiple submitters, no conflicts (2 of 4 stars). 2 submissions from 2 submitters: Uncertain significance (2). Last evaluated 2023-03-13.

Conditions:
Hypertrophic cardiomyopathy. Also called: HYPERTROPHIC MYOCARDIOPATHY. Identifiers: Orphanet 217569, MedGen C0007194, MeSH D002312, MONDO:0005045, HP:0001639.

Submissions (2):

Labcorp Genetics (formerly Invitae), Labcorp
Classification: Uncertain significance for Hypertrophic cardiomyopathy. Last evaluated: 2023-03-13. Review status: criteria provided, single submitter. Criteria: Invitae Variant Classification Sherloc (09022015). Collection method: clinical testing. Allele origin: germline.
Comment: In summary, the available evidence is currently insufficient to determine the role of this variant in disease. Therefore, it has been classified as a Variant of Uncertain Significance. Advanced modeling of protein sequence and biophysical properties (such as structural, functional, and spatial information, amino acid conservation, physicochemical variation, residue mobility, and thermodynamic stability) performed at Invitae indicates that this missense variant is expected to disrupt MYH7 protein function. ClinVar contains an entry for this variant (Variation ID: 423269). This variant has not been reported in the literature in individuals affected with MYH7-related conditions. This variant is not present in population databases (gnomAD no frequency). This sequence change replaces alanine, which is neutral and non-polar, with proline, which is neutral and non-polar, at codon 1561 of the MYH7 protein (p.Ala1561Pro).

GeneDx
Classification: Uncertain significance. Last evaluated: 2017-02-14. Review status: criteria provided, single submitter. Criteria: GeneDx Variant Classification (06012015). Collection method: clinical testing. Allele origin: germline. Affected: yes.
Comment: The A1561P variant in the MYH7 gene has not been reported previously as a pathogenic variant, nor as a benign variant, to our knowledge. The A1561P variant is not observed in large population cohorts (Lek et al., 2016; 1000 Genomes Consortium et al., 2015; Exome Variant Server). The A1561P variant is a semi-conservative amino acid substitution, which may impact secondary protein structure as these residues differ in some properties. This substitution occurs at a position that is conserved in mammals. In silico analysis is inconsistent in its predictions as to whether or not the variant is damaging to the protein structure/function. We interpret A1561P as a variant of uncertain significance.

NM_000257.4(MYH7):c.4681G>C (p.Ala1561Pro)

Genes: MHRT (myosin heavy chain associated RNA transcript; plus strand), MYH7 (myosin heavy chain 7; minus strand), LOC126861897 (BRD4-independent group 4 enhancer GRCh37_chr14:23884455-23885654; plus strand). Cytogenetic location: 14q11.2.
Variant type: single nucleotide variant.
Coding change: c.4681G>C on transcript NM_000257.4 (MANE Select); coding-DNA position 4681, G replaced by C.
Protein change: p.Ala1561Pro; replaces alanine 1561 with proline.
Molecular consequence: missense variant. On other transcripts: non-coding transcript variant (1).
Genome position (GRCh38, 1-based): chr14:23,416,276, C>G on the plus strand (G>C on the coding strand, the complement: MYH7 is on the minus strand). VCF-style: chr14-23416276-C-G. GRCh37 (hg19) VCF-style: chr14-23885485-C-G.
Other names: c.4681G>C (LRG_384t1); short protein forms A1561P.
Identifiers: ClinVar variation 423269 (VCV000423269.5), dbSNP rs1064796334, ClinGen allele CA16619846.